The following is an entry in ClinVar:

ClinVar aggregate classification (germline): Uncertain significance (1 of 4 stars; one submission).

Conditions:
Hypotonia, ataxia, and delayed development syndrome (HADDS). Also called: EBF3 Neurodevelopmental Disorder. Identifiers: Orphanet 658843, MedGen C4310618, MONDO:0015021, OMIM 617330.

Submission:

3billion
Classification: Uncertain significance for Hypotonia, ataxia, and delayed development syndrome. Last evaluated: 2025-08-28. Review status: criteria provided, single submitter. Criteria: ACMG Guidelines, 2015. Collection method: clinical testing. Allele origin: germline. Affected: yes.
Comment: The variant is not observed in the gnomAD v4.1.0 dataset. Predicted Consequence/Location: Intron variant In silico tools predict the variant to alter splicing and produce an abnormal transcript [SpliceAI: 0.42 (>=0.2, moderate evidence for spliceogenicity)]. Therefore, this variant is classified as VUS according to the recommendation of ACMG/AMP guideline.

NM_001375380.1(EBF3):c.1129-100G>A

Genes: EBF3 (EBF transcription factor 3; minus strand), MIR4297 (microRNA 4297; minus strand). Cytogenetic location: 10q26.3.
Variant type: single nucleotide variant.
Coding change: c.1129-100G>A on transcript NM_001375380.1 (MANE Select); 100 bases into the intron before coding-DNA position 1129, G replaced by A.
Molecular consequence: intron variant. On other transcripts: non-coding transcript variant (1).
Genome position (GRCh38, 1-based): chr10:129,843,302, C>T on the plus strand (G>A on the coding strand, the complement: EBF3 is on the minus strand). VCF-style: chr10-129843302-C-T. GRCh37 (hg19) VCF-style: chr10-131641566-C-T.
Other names: c.1102-100G>A (NM_001375392.1, NM_001005463.3, NM_001375390.1); c.1129-100G>A (NM_001375391.1, NM_001375389.1, NM_001375379.1).
Identifiers: ClinVar variation 4854861 (VCV004854861.1).